The following is an entry in ClinVar:

ClinVar aggregate classification (germline): Likely benign. Review status: reviewed by expert panel (3 of 4 stars). 3 submissions from 3 submitters: Likely benign (1). 2 of the submissions do not count toward it. Last evaluated 2026-01-27.

Conditions:
ABCA4-related retinopathy. Also called: ABCA4 retinoapthy; ABCA4-related retinoapthy. Identifiers: MedGen CN322612, MONDO:0800406.
ABCA4-related disorder. Also called: ABCA4-related disorders; ABCA4-related condition. Identifiers: MedGen CN239167.

Allele frequency attached by ClinVar (database versions not stated): gnomAD exomes below 0.00001 and 0.00001; TOPMed below 0.00001; ExAC 0.00001; gnomAD 0.00001.
gnomAD v4.1: 14 of 1,614,076 alleles (0.00087%); highest among the groups gnomAD compares: Non-Finnish European, 0.0011%; no homozygotes.

Submissions (3):

ClinGen ABCA4 Variant Curation Expert Panel, Clingen
Classification: Likely benign for ABCA4-related retinopathy. Last evaluated: 2026-01-27. Review status: reviewed by expert panel. Criteria: ClinGen ABCA4 ACMG Specifications V1.0.0. Collection method: curation. Allele origin: germline. Inheritance: Autosomal recessive inheritance.
Comment: The NM_000350.3:c.4573C>T is a synonymous (silent) variant in ABCA4 (p.Leu1525=). The total minor allele frequency in gnomAD v4.1.0 is 0.000008674 (14/1614076 alleles), which is lower than the ClinGen ABCA4 VCEP’s threshold for PM2_Supporting (<0.0001). The computational splicing predictor SpliceAI gives this synonymous (silent) variant a delta score of 0.01 for acceptor and donor loss which is below the ClinGen ABCA4 VCEP threshold of <0.1 and does not strongly predict a splicing defect. To our knowledge, there is no known conflicting minigene or other functional data available (BP7_Moderate). In summary, this variant meets the criteria to be classified as likely benign for ABCA4-related retinopathy based on the ACMG/AMP criteria applied, as specified by the ClinGen ABCA4 VCEP (Specification Version 1.0.0): BP7_Moderate, PM2_Supporting.

Labcorp Genetics (formerly Invitae), Labcorp
Classification: Likely benign. Last evaluated: 2025-07-09. Review status: criteria provided, single submitter. Criteria: Invitae Variant Classification Sherloc (09022015). Collection method: clinical testing. Allele origin: germline. Not counted in ClinVar's aggregate classification.

Illumina Laboratory Services, Illumina
Classification: Uncertain significance for ABCA4-Related Disorders. Last evaluated: 2018-01-13. Review status: criteria provided, single submitter. Criteria: ICSL Variant Classification Criteria 13 December 2019. Collection method: clinical testing. Allele origin: germline. Not counted in ClinVar's aggregate classification.

NM_000350.3(ABCA4):c.4573C>T (p.Leu1525=)

Gene: ABCA4 (ATP binding cassette subfamily A member 4; minus strand). Cytogenetic location: 1p22.1.
Variant type: single nucleotide variant.
Coding change: c.4573C>T on transcript NM_000350.3 (MANE Select); coding-DNA position 4573, C replaced by T.
Protein change: p.Leu1525=; no amino-acid change (leucine 1525 retained).
Molecular consequence: synonymous variant.
Genome position (GRCh38, 1-based): chr1:94,025,015, G>A on the plus strand (C>T on the coding strand, the complement: ABCA4 is on the minus strand). VCF-style: chr1-94025015-G-A. GRCh37 (hg19) VCF-style: chr1-94490571-G-A.
Other names: NM_000350.3(ABCA4):c.4573C>T; p.Leu1525=; c.4351C>T, p.Leu1451= (NM_001425324.1).
Identifiers: ClinVar variation 298236 (VCV000298236.15), dbSNP rs774957381, ClinGen allele CA957557.